The following is an entry in ClinVar:

NM_031935.3(HMCN1):c.14195C>A (p.Pro4732His)

Gene: HMCN1 (hemicentin 1; plus strand). Cytogenetic location: 1q31.1.
Variant type: single nucleotide variant.
Coding change: c.14195C>A on transcript NM_031935.3 (MANE Select); coding-DNA position 14195, C replaced by A.
Protein change: p.Pro4732His; replaces proline 4732 with histidine.
Molecular consequence: missense variant.
Genome position (GRCh38, 1-based): chr1:186,144,632, C>A. VCF-style: chr1-186144632-C-A. GRCh37 (hg19) VCF-style: chr1-186113764-C-A.
Other names: short protein forms P4732H.
Identifiers: ClinVar variation 2264554 (VCV002264554.5), dbSNP rs1392732464, ClinGen allele CA343915358.

ClinVar aggregate classification (germline): Uncertain significance. Review status: criteria provided, multiple submitters, no conflicts (2 of 4 stars). 2 submissions from 2 submitters: Uncertain significance (2). Last evaluated 2022-11-24.

Allele frequency attached by ClinVar (database versions not stated): TOPMed below 0.00001; gnomAD 0.00001; gnomAD exomes 0.00001.

Submissions (2):

Labcorp Genetics (formerly Invitae), Labcorp
Classification: Uncertain significance. Last evaluated: 2022-11-24. Review status: criteria provided, single submitter. Criteria: Invitae Variant Classification Sherloc (09022015). Collection method: clinical testing. Allele origin: germline.
Comment: In summary, the available evidence is currently insufficient to determine the role of this variant in disease. Therefore, it has been classified as a Variant of Uncertain Significance. Algorithms developed to predict the effect of missense changes on protein structure and function are either unavailable or do not agree on the potential impact of this missense change (SIFT: "Deleterious"; PolyPhen-2: "Probably Damaging"; Align-GVGD: "Class C0"). This variant has not been reported in the literature in individuals affected with HMCN1-related conditions. This variant is present in population databases (no rsID available, gnomAD 0.002%). This sequence change replaces proline, which is neutral and non-polar, with histidine, which is basic and polar, at codon 4732 of the HMCN1 protein (p.Pro4732His).

Ambry Genetics
Classification: Uncertain significance. Last evaluated: 2021-12-03. Review status: criteria provided, single submitter. Criteria: Ambry Variant Classification Scheme 2023. Collection method: clinical testing. Allele origin: germline.